The following is an entry in ClinVar:

NM_014141.6(CNTNAP2):c.3646G>A (p.Ala1216Thr)

Gene: CNTNAP2 (contactin associated protein 2; plus strand). Cytogenetic location: 7q36.1.
Variant type: single nucleotide variant.
Coding change: c.3646G>A on transcript NM_014141.6 (MANE Select); coding-DNA position 3646, G replaced by A.
Protein change: p.Ala1216Thr; replaces alanine 1216 with threonine.
Molecular consequence: missense variant.
Genome position (GRCh38, 1-based): chr7:148,383,819, G>A. VCF-style: chr7-148383819-G-A. GRCh37 (hg19) VCF-style: chr7-148080911-G-A.
Other names: short protein forms A1216T.
Identifiers: ClinVar variation 842846 (VCV000842846.10), dbSNP rs1799128413, ClinGen allele CA369704833.

ClinVar aggregate classification (germline): Uncertain significance (1 of 4 stars; one submission).

Conditions:
Cortical dysplasia-focal epilepsy syndrome (PTHSL1). Also called: Pitt-Hopkins-like syndrome 1. Identifiers: Orphanet 163681, Orphanet 221150, MedGen C2750246, MONDO:0012400, OMIM 610042.

Submission:

Labcorp Genetics (formerly Invitae), Labcorp
Classification: Uncertain significance for Cortical dysplasia-focal epilepsy syndrome. Last evaluated: 2022-08-15. Review status: criteria provided, single submitter. Criteria: Invitae Variant Classification Sherloc (09022015). Collection method: clinical testing. Allele origin: germline.
Comment: In summary, the available evidence is currently insufficient to determine the role of this variant in disease. Therefore, it has been classified as a Variant of Uncertain Significance. Algorithms developed to predict the effect of missense changes on protein structure and function are either unavailable or do not agree on the potential impact of this missense change (SIFT: "Deleterious"; PolyPhen-2: "Benign"; Align-GVGD: "Class C0"). ClinVar contains an entry for this variant (Variation ID: 842846). This variant has not been reported in the literature in individuals affected with CNTNAP2-related conditions. This variant is not present in population databases (gnomAD no frequency). This sequence change replaces alanine, which is neutral and non-polar, with threonine, which is neutral and polar, at codon 1216 of the CNTNAP2 protein (p.Ala1216Thr).